The following is an entry in ClinVar:

ClinVar aggregate classification (germline): Conflicting classifications of pathogenicity. Review status: criteria provided, conflicting classifications (1 of 4 stars). 2 submissions from 2 submitters: Uncertain significance (1); Likely benign (1). Last evaluated 2025-10-09.

Conditions:
Deafness-lymphedema-leukemia syndrome. Also called: Lymphedema, primary, with myelodysplasia; Emberger syndrome. Identifiers: Orphanet 3226, MedGen C3279664, MONDO:0013540, OMIM 614038.
Monocytopenia with susceptibility to infections. Also called: IMMUNODEFICIENCY 21; GATA2 DEFICIENCY; MONOCYTOPENIA AND MYCOBACTERIAL INFECTION SYNDROME; MONOCYTOPENIA WITH SUSCEPTIBILITY TO MYCOBACTERIAL, FUNGAL, AND PAPILLOMAVIRUS INFECTIONS AND MYELODYSPLASIA; COMBINED IMMUNODEFICIENCY WITH SUSCEPTIBILITY TO MYCOBACTERIAL, VIRAL, AND FUNGAL INFECTIONS; Dendritic cell, monocyte, B lymphocyte, and natural killer lymphocyte deficiency. Identifiers: Orphanet 228423, MedGen C3280030, MONDO:0013607, OMIM 614172.
Inborn genetic diseases. Identifiers: MedGen C0950123, MeSH D030342.

Allele frequency attached by ClinVar (database versions not stated): gnomAD exomes below 0.00001; gnomAD 0.00001; TOPMed 0.00001.
gnomAD v4.1: 3 of 1,559,938 alleles (0.00019%); highest among the groups gnomAD compares: Non-Finnish European, 0.00026%; no homozygotes.

Submissions (2):

Ambry Genetics
Classification: Uncertain significance for Inborn genetic diseases. Last evaluated: 2025-10-09. Review status: criteria provided, single submitter. Criteria: Ambry Variant Classification Scheme 2023. Collection method: clinical testing. Allele origin: germline.
Comment: The c.408C>T variant (also known as p.G136G), located in coding exon 2 of the GATA2 gene, results from a C to T substitution at nucleotide position 408. This nucleotide substitution does not change the at codon 136. This nucleotide position is not well conserved in available vertebrate species. In silico splice site analysis predicts that this alteration may result in the creation or strengthening of a novel splice donor site; however, direct evidence is insufficient at this time (Ambry internal data). Based on the available evidence, the clinical significance of this variant remains unclear.

Labcorp Genetics (formerly Invitae), Labcorp
Classification: Likely benign for Monocytopenia with susceptibility to infections; Deafness-lymphedema-leukemia syndrome. Last evaluated: 2024-01-06. Review status: criteria provided, single submitter. Criteria: Invitae Variant Classification Sherloc (09022015). Collection method: clinical testing. Allele origin: germline.

NM_032638.5(GATA2):c.408C>T (p.Gly136=)

Gene: GATA2 (GATA binding protein 2; minus strand). Cytogenetic location: 3q21.3.
Variant type: single nucleotide variant.
Coding change: c.408C>T on transcript NM_032638.5 (MANE Select); coding-DNA position 408, C replaced by T.
Protein change: p.Gly136=; no amino-acid change (glycine 136 retained).
Molecular consequence: synonymous variant.
Genome position (GRCh38, 1-based): chr3:128,486,190, G>A on the plus strand (C>T on the coding strand, the complement: GATA2 is on the minus strand). VCF-style: chr3-128486190-G-A. GRCh37 (hg19) VCF-style: chr3-128205033-G-A.
Other names: c.408C>T (NM_032638.4); c.408C>T, p.Gly136= (NM_001145661.2, NM_001145662.1).
Identifiers: ClinVar variation 1639634 (VCV001639634.9), dbSNP rs2068696629, ClinGen allele CA435763952.